The following is an entry in ClinVar:

NM_004958.4(MTOR):c.2308C>T (p.Pro770Ser)

Gene: MTOR (mechanistic target of rapamycin kinase; minus strand). Cytogenetic location: 1p36.22.
Variant type: single nucleotide variant.
Coding change: c.2308C>T on transcript NM_004958.4 (MANE Select); coding-DNA position 2308, C replaced by T.
Protein change: p.Pro770Ser; replaces proline 770 with serine.
Molecular consequence: missense variant.
Genome position (GRCh38, 1-based): chr1:11,234,166, G>A on the plus strand (C>T on the coding strand, the complement: MTOR is on the minus strand). VCF-style: chr1-11234166-G-A. GRCh37 (hg19) VCF-style: chr1-11294223-G-A.
Other names: c.2308C>T, p.Pro770Ser (NM_001386500.1); c.1060C>T, p.Pro354Ser (NM_001386501.1); short protein forms P354S, P770S.
Identifiers: ClinVar variation 2090494 (VCV002090494.4), dbSNP rs887241294, ClinGen allele CA338384604.

ClinVar aggregate classification (germline): Uncertain significance (1 of 4 stars; one submission).

Submission:

Labcorp Genetics (formerly Invitae), Labcorp
Classification: Uncertain significance. Last evaluated: 2022-01-27. Review status: criteria provided, single submitter. Criteria: Invitae Variant Classification Sherloc (09022015). Collection method: clinical testing. Allele origin: germline.
Comment: This sequence change replaces proline, which is neutral and non-polar, with serine, which is neutral and polar, at codon 770 of the MTOR protein (p.Pro770Ser). In summary, the available evidence is currently insufficient to determine the role of this variant in disease. Therefore, it has been classified as a Variant of Uncertain Significance. Advanced modeling of protein sequence and biophysical properties (such as structural, functional, and spatial information, amino acid conservation, physicochemical variation, residue mobility, and thermodynamic stability) performed at Invitae indicates that this missense variant is not expected to disrupt MTOR protein function. This variant has not been reported in the literature in individuals affected with MTOR-related conditions. This variant is not present in population databases (gnomAD no frequency).